The following is an entry in ClinVar:

ClinVar aggregate classification (germline): Uncertain significance (1 of 4 stars; one submission).

Conditions:
Mucopolysaccharidosis, MPS-III-D (MPS3D). Also called: N-ACETYLGLUCOSAMINE-6-SULFATASE DEFICIENCY; SANFILIPPO SYNDROME D; MPS III D; Mucopoly-saccharidosis type 3D; N-acetylglucosamine-6-sulfate sulfatase deficiency; MPS 3D. Identifiers: Orphanet 581, Orphanet 79272, MedGen C0086650, MONDO:0009658, OMIM 252940.

gnomAD v4.1: 1 of 1,605,392 alleles (0.000062%); no homozygotes.

Submission:

Labcorp Genetics (formerly Invitae), Labcorp
Classification: Uncertain significance for Mucopolysaccharidosis, MPS-III-D. Last evaluated: 2025-10-01. Review status: criteria provided, single submitter. Criteria: Invitae Variant Classification Sherloc (09022015). Collection method: clinical testing. Allele origin: germline.
Comment: This sequence change replaces glutamic acid, which is acidic and polar, with glycine, which is neutral and non-polar, at codon 304 of the GNS protein (p.Glu304Gly). This variant is not present in population databases (gnomAD no frequency). This variant has not been reported in the literature in individuals affected with GNS-related conditions. ClinVar contains an entry for this variant (Variation ID: 1978016). Invitae Evidence Modeling of protein sequence and biophysical properties (such as structural, functional, and spatial information, amino acid conservation, physicochemical variation, residue mobility, and thermodynamic stability) indicates that this missense variant is not expected to disrupt GNS protein function with a negative predictive value of 80%. In summary, the available evidence is currently insufficient to determine the role of this variant in disease. Therefore, it has been classified as a Variant of Uncertain Significance.

NM_002076.4(GNS):c.911A>G (p.Glu304Gly)

Gene: GNS (glucosamine (N-acetyl)-6-sulfatase; minus strand). Cytogenetic location: 12q14.3.
Variant type: single nucleotide variant.
Coding change: c.911A>G on transcript NM_002076.4 (MANE Select); coding-DNA position 911, A replaced by G.
Protein change: p.Glu304Gly; replaces glutamic acid 304 with glycine.
Molecular consequence: missense variant.
Genome position (GRCh38, 1-based): chr12:64,739,464, T>C on the plus strand (A>G on the coding strand, the complement: GNS is on the minus strand). VCF-style: chr12-64739464-T-C. GRCh37 (hg19) VCF-style: chr12-65133244-T-C.
Other names: short protein forms E304G.
Identifiers: ClinVar variation 1978016 (VCV001978016.4), dbSNP rs1487656448, ClinGen allele CA385608037.